The following is an entry in ClinVar:

NM_001048174.2(MUTYH):c.373A>T (p.Met125Leu)

Gene: MUTYH (mutY DNA glycosylase; minus strand). Cytogenetic location: 1p34.1.
Variant type: single nucleotide variant.
Coding change: c.373A>T on transcript NM_001048174.2 (MANE Select); coding-DNA position 373, A replaced by T.
Protein change: p.Met125Leu; replaces methionine 125 with leucine.
Molecular consequence: missense variant. On other transcripts: non-coding transcript variant (1), intron variant (2).
Genome position (GRCh38, 1-based): chr1:45,333,102, T>A on the plus strand (A>T on the coding strand, the complement: MUTYH is on the minus strand). VCF-style: chr1-45333102-T-A. GRCh37 (hg19) VCF-style: chr1-45798774-T-A.
Other names: c.373A>T, p.Met125Leu (NM_001048171.2, NM_001048173.2, NM_001293195.2); c.376A>T, p.Met126Leu (NM_001048172.2); c.457A>T, p.Met153Leu (NM_001128425.2); c.418A>T, p.Met140Leu (NM_001293190.2); c.406A>T, p.Met136Leu (NM_001293191.2); c.97A>T, p.Met33Leu (NM_001293192.2, NM_001293196.2); c.448A>T, p.Met150Leu (NM_012222.3); c.34-143A>T (NM_001350651.2, NM_001350650.2); short protein forms M153L, M140L, M150L, M33L, M125L, M126L, M136L.
Identifiers: ClinVar variation 481799 (VCV000481799.13), dbSNP rs1553129535, ClinGen allele CA340136071.

ClinVar aggregate classification (germline): Conflicting classifications of pathogenicity. Review status: criteria provided, conflicting classifications (1 of 4 stars). 4 submissions from 4 submitters: Uncertain significance (3); Likely benign (1). Last evaluated 2025-09-12.

Conditions:
Hereditary cancer-predisposing syndrome. Also called: Hereditary neoplastic syndrome; Hereditary Cancer Syndrome; Neoplastic Syndromes, Hereditary; Tumor predisposition. Identifiers: Orphanet 140162, MedGen C0027672, MeSH D009386, MONDO:0015356.
Familial adenomatous polyposis 2. Also called: MYH-associated polyposis; COLORECTAL ADENOMATOUS POLYPOSIS, AUTOSOMAL RECESSIVE; ADENOMAS, MULTIPLE COLORECTAL, AUTOSOMAL RECESSIVE; MUTYH-related attenuated familial adenomatous polyposis; Adenomas, multiple colorectal; FAP type 2. Identifiers: Orphanet 220460, Orphanet 247798, MedGen C3272841, MONDO:0012041, OMIM 608456.

Submissions (4):

Color Diagnostics, LLC DBA Color Health
Classification: Uncertain significance for Hereditary cancer-predisposing syndrome. Last evaluated: 2025-09-12. Review status: criteria provided, single submitter. Criteria: ACMG Guidelines, 2015. Collection method: clinical testing. Allele origin: germline.
Comment: This missense variant replaces methionine with leucine at codon 153 of the MUTYH protein. Computational prediction is inconclusive regarding the impact of this variant on protein structure and function. To our knowledge, functional studies have not been reported for this variant. This variant has not been reported in individuals affected with MUTYH-related disorders in the literature. This variant has not been identified in the general population by the Genome Aggregation Database (gnomAD). The available evidence is insufficient to determine the role of this variant in disease conclusively. Therefore, this variant is classified as a Variant of Uncertain Significance.

Ambry Genetics
Classification: Likely benign for Hereditary cancer-predisposing syndrome. Last evaluated: 2025-09-09. Review status: criteria provided, single submitter. Criteria: Ambry Variant Classification Scheme 2023. Collection method: clinical testing. Allele origin: germline.

Labcorp Genetics (formerly Invitae), Labcorp
Classification: Uncertain significance for Familial adenomatous polyposis 2. Last evaluated: 2022-08-08. Review status: criteria provided, single submitter. Criteria: Invitae Variant Classification Sherloc (09022015). Collection method: clinical testing. Allele origin: germline.
Comment: In summary, the available evidence is currently insufficient to determine the role of this variant in disease. Therefore, it has been classified as a Variant of Uncertain Significance. Algorithms developed to predict the effect of missense changes on protein structure and function are either unavailable or do not agree on the potential impact of this missense change (SIFT: "Deleterious"; PolyPhen-2: "Possibly Damaging"; Align-GVGD: "Class C0"). ClinVar contains an entry for this variant (Variation ID: 481799). This variant has not been reported in the literature in individuals affected with MUTYH-related conditions. This variant is not present in population databases (gnomAD no frequency). This sequence change replaces methionine, which is neutral and non-polar, with leucine, which is neutral and non-polar, at codon 153 of the MUTYH protein (p.Met153Leu).

GeneDx
Classification: Uncertain significance. Last evaluated: 2020-12-16. Review status: criteria provided, single submitter. Criteria: GeneDx Variant Classification Process June 2021. Collection method: clinical testing. Allele origin: germline. Affected: yes.
Comment: Not observed in large population cohorts (Lek 2016); In silico analysis supports that this missense variant does not alter protein structure/function; Has not been previously published as pathogenic or benign to our knowledge